The following is an entry in ClinVar:

NM_206933.4(USH2A):c.15297+1G>C

Gene: USH2A (usherin; minus strand). Cytogenetic location: 1q41.
Variant type: single nucleotide variant.
Coding change: c.15297+1G>C on transcript NM_206933.4 (MANE Select); the canonical splice donor site of the intron after coding-DNA position 15297, G replaced by C.
Molecular consequence: splice donor variant.
Genome position (GRCh38, 1-based): chr1:215,634,458, C>G on the plus strand (G>C on the coding strand, the complement: USH2A is on the minus strand). VCF-style: chr1-215634458-C-G. GRCh37 (hg19) VCF-style: chr1-215807800-C-G.
Identifiers: ClinVar variation 845053 (VCV000845053.19), dbSNP rs767630412, ClinGen allele CA1392748.

ClinVar aggregate classification (germline): Pathogenic/Likely pathogenic. Review status: criteria provided, multiple submitters, no conflicts (2 of 4 stars). 7 submissions from 7 submitters: Pathogenic (2); Likely pathogenic (5). Last evaluated 2026-05-31.

Conditions:
Retinitis pigmentosa 39 (RP39). Identifiers: Orphanet 791, MedGen C3151138, MONDO:0013436, OMIM 613809.
Usher syndrome type 2A. Also called: USHER SYNDROME, TYPE IIA; RETINAL DISEASE IN USHER SYNDROME TYPE IIA, MODIFIER OF. Identifiers: Orphanet 231178, Orphanet 886, MedGen C1848634, MONDO:0010169, OMIM 276901.
USH2A-related disorder. Also called: USH2A-related condition; USH2A-related disorders. Identifiers: MedGen CN239332.

Allele frequency attached by ClinVar (database versions not stated): TOPMed 0.00001; ExAC 0.00002; gnomAD exomes 0.00003.
gnomAD v4.1: 91 of 1,614,098 alleles (0.0056%); highest among the groups gnomAD compares: Non-Finnish European, 0.0077%; no homozygotes.

Submissions (7):

PreventionGenetics, part of Exact Sciences
Classification: Likely pathogenic for USH2A-related condition. Last evaluated: 2026-05-31. Review status: criteria provided, single submitter. Criteria: ACMG Guidelines, 2015. Collection method: clinical testing. Allele origin: germline.
Comment: The USH2A c.15297+1G>C variant is predicted to disrupt the GT donor site and interfere with normal splicing. To our knowledge, this variant has not been reported in the literature. This variant is reported in 0.0070% of alleles in individuals of European (Non-Finnish) descent in gnomAD. Variants that disrupt the consensus splice donor site in USH2A are expected to be pathogenic. This variant is interpreted as likely pathogenic.

Natera, Inc.
Classification: Likely pathogenic for Usher syndrome type 2A. Last evaluated: 2025-08-12. Review status: criteria provided, single submitter. Criteria: Natera Variant Classification Schema (03/2026). Collection method: clinical testing. Allele origin: germline.
Comment: The c.15297+1G>C variant in USH2A is a canonical splice donor site variant predicted to affect pre-mRNA splicing, which may result in an abnormal transcript and altered protein product. This variant is expected to result in nonsense mediated decay, truncation, or a dysfunctional protein product. This variant is rare in the general population with a frequency below the threshold expected for the associated phenotype(s). Given the available evidence, this variant is classified as Likely Pathogenic.

Labcorp Genetics (formerly Invitae), Labcorp
Classification: Pathogenic. Last evaluated: 2024-10-08. Review status: criteria provided, single submitter. Criteria: Invitae Variant Classification Sherloc (09022015). Collection method: clinical testing. Allele origin: germline.
Comment: This sequence change affects a donor splice site in intron 70 of the USH2A gene. It is expected to disrupt RNA splicing. Variants that disrupt the donor or acceptor splice site typically lead to a loss of protein function (PMID: 16199547), and loss-of-function variants in USH2A are known to be pathogenic (PMID: 10729113, 10909849, 20507924, 25649381). This variant is present in population databases (rs767630412, gnomAD 0.007%). Disruption of this splice site has been observed in individual(s) with retinal dystrophy and/or USH2A-related conditions (internal data). It has also been observed to segregate with disease in related individuals. ClinVar contains an entry for this variant (Variation ID: 845053). Algorithms developed to predict the effect of sequence changes on RNA splicing suggest that this variant may disrupt the consensus splice site. For these reasons, this variant has been classified as Pathogenic.

Baylor Genetics
Classification: Pathogenic for Retinitis pigmentosa 39. Last evaluated: 2024-03-23. Review status: criteria provided, single submitter. Criteria: ACMG Guidelines, 2015. Collection method: clinical testing. Allele origin: unknown.

Blueprint Genetics
Classification: Likely pathogenic for USH2A-related disorders. Last evaluated: 2023-09-21. Review status: criteria provided, single submitter. Criteria: ACMG Guidelines, 2015. Collection method: clinical testing. Allele origin: germline. Affected: yes. Observed: 5 variant alleles.

Genome-Nilou Lab
Classification: Likely pathogenic for Retinitis pigmentosa 39. Last evaluated: 2023-04-11. Review status: criteria provided, single submitter. Criteria: ACMG Guidelines, 2015. Collection method: clinical testing. Allele origin: germline. Affected: no.

GeneDx
Classification: Likely pathogenic. Last evaluated: 2020-09-16. Review status: criteria provided, single submitter. Criteria: GeneDx Variant Classification Process June 2021. Collection method: clinical testing. Allele origin: germline. Affected: yes.
Comment: Canonical splice site variant predicted to result in a null allele in a gene for which loss-of-function is a known mechanism of disease; Not observed at a significant frequency in large population cohorts (Lek et al., 2016); Has not been previously published as pathogenic or benign to our knowledge

Literature cited by the submitters: PubMed 16199547 (cited by Labcorp Genetics (formerly Invitae), Labcorp); PubMed 10729113 (cited by Labcorp Genetics (formerly Invitae), Labcorp); PubMed 10909849 (cited by Labcorp Genetics (formerly Invitae), Labcorp); PubMed 20507924 (cited by Labcorp Genetics (formerly Invitae), Labcorp); PubMed 25649381 (cited by Labcorp Genetics (formerly Invitae), Labcorp).